The following is an entry in ClinVar:

ClinVar aggregate classification (germline): Likely pathogenic (0 of 4 stars; one submission).

Conditions:
Asphyxiating thoracic dystrophy 3. Also called: SHORT-RIB THORACIC DYSPLASIA 3/6 WITH POLYDACTYLY, DIGENIC; Short rib polydactyly syndrome 2B; Saldino-Noonan Syndrome; SHORT-RIB THORACIC DYSPLASIA 3 WITH OR WITHOUT POLYDACTYLY; POLYDACTYLY WITH NEONATAL CHONDRODYSTROPHY, TYPE I. Identifiers: Orphanet 474, Orphanet 93269, Orphanet 93270, Orphanet 93271, MedGen C0036069, MONDO:0013127, OMIM 613091.

Submission:

Genomic Medicine Center of Excellence, King Faisal Specialist Hospital and Research Centre
Classification: Likely pathogenic for Short-rib thoracic dysplasia. Review status: no assertion criteria provided. Collection method: research. Allele origin: germline. Affected: yes. Observed: 2 homozygotes. Clinical features observed: Narrow chest, high arched palate, short neck, brachydactyly, nail hypoplasia, short extremities, genu recurvatum, small iliac bones with downward spike, trident acetabular roof, partial syndactyly, respiratory insufficiency.
Comment: LOF, autozygosity mapping

NM_152766.5(TMEM256):c.244_265del (p.Phe82fs)

Genes: TMEM256-PLSCR3 (TMEM256-PLSCR3 readthrough (NMD candidate); minus strand), TMEM256 (transmembrane protein 256; minus strand). Cytogenetic location: 17p13.1.
Variant type: Deletion.
Coding change: c.244_265del on transcript NM_152766.5 (MANE Select); coding-DNA positions 244 to 265, 22 bases deleted (TTTTACTACCAGGCTCTGAGTG).
Protein change: p.Phe82fs; shifts the reading frame from phenylalanine 82.
Molecular consequence: frameshift variant.
Genome position (GRCh38, 1-based): chr17:7,403,143-7,403,164, CACTCAGAGCCTGGTAGTAAAA deleted on the plus strand (TTTTACTACCAGGCTCTGAGTG on the coding strand, the reverse complement: TMEM256 is on the minus strand). VCF-style (leftmost placement, unchanged base first): chr17-7403142-CCACTCAGAGCCTGGTAGTAAAA-C. GRCh37 (hg19) VCF-style: chr17-7306461-CCACTCAGAGCCTGGTAGTAAAA-C.
Other names: short protein forms F82fs.
Identifiers: ClinVar variation 266078 (VCV000266078.1), dbSNP rs886039795, ClinGen allele CA10588981.